The following is an entry in ClinVar:

NM_033629.6(TREX1):c.856_865dup (p.Ala289fs)

Genes: TREX1 (three prime repair exonuclease 1; plus strand), ATRIP-TREX1 (ATRIP-TREX1 readthrough; plus strand), ATRIP (ATR interacting protein; plus strand). Cytogenetic location: 3p21.31.
Variant type: Duplication.
Coding change: c.856_865dup on transcript NM_033629.6 (MANE Select); coding-DNA positions 856 to 865, 10 bases duplicated (GGGCTGCTGG; older notation c.856_865dupGGGCTGCTGG).
Protein change: p.Ala289fs; shifts the reading frame from alanine 289.
Molecular consequence: frameshift variant. On other transcripts: non-coding transcript variant (1), 3 prime UTR variant (4).
Genome position (GRCh38, 1-based): chr3:48,467,511-48,467,520, GGGCTGCTGG duplicated; duplicating any 10 consecutive bases within chr3:48,467,510-48,467,520 gives the same sequence; the c. name uses the placement nearest the transcript's 3' end. VCF-style (leftmost placement, unchanged base first): chr3-48467509-A-AGGGGCTGCTG. GRCh37 (hg19) VCF-style: chr3-48508908-A-AGGGGCTGCTG.
Other names: c.826_835dup, p.Ala279fs (NM_007248.5); c.*1957_*1966dup (NM_001271022.2, NM_001271023.2, NM_032166.4 and 1 more transcripts); short protein forms A279fs, A289fs.
Identifiers: ClinVar variation 930977 (VCV000930977.3), dbSNP rs2040385695, ClinGen allele CA1139658064.

ClinVar aggregate classification (germline): Pathogenic (1 of 4 stars; one submission).

Conditions:
Systemic lupus erythematosus (SLE). Identifiers: Orphanet 536, MedGen C0024141, MONDO:0007915, OMIM 152700, HP:0002725.

Submission:

Centre for Mendelian Genomics, University Medical Centre Ljubljana
Classification: Pathogenic for Systemic lupus erythematosus. Last evaluated: 2019-08-19. Review status: criteria provided, single submitter. Criteria: ACMG Guidelines, 2015. Collection method: clinical testing. Allele origin: unknown. Affected: yes.
Comment: This variant was classified as: Pathogenic. The following ACMG criteria were applied in classifying this variant: PVS1,PM1,PP3.